The following is an entry in ClinVar:

NM_001015877.2(PHF6):c.469A>G (p.Lys157Glu)

Gene: PHF6 (PHD finger protein 6; plus strand). Cytogenetic location: Xq26.2.
Variant type: single nucleotide variant.
Coding change: c.469A>G on transcript NM_001015877.2 (MANE Select); coding-DNA position 469, A replaced by G.
Protein change: p.Lys157Glu; replaces lysine 157 with glutamic acid.
Molecular consequence: missense variant.
Genome position (GRCh38, 1-based): chrX:134,413,541, A>G. VCF-style: chrX-134413541-A-G. GRCh37 (hg19) VCF-style: chrX-133547571-A-G.
Other names: c.472A>G, p.Lys158Glu (NM_032335.3); c.469A>G, p.Lys157Glu (NM_032458.3); short protein forms K157E, K158E.
Identifiers: ClinVar variation 3054569 (VCV003054569.2), dbSNP rs1186430202, ClinGen allele CA414712477.

ClinVar aggregate classification (germline): Uncertain significance (0 of 4 stars; one submission).

Conditions:
PHF6-related disorder. Also called: PHF6-related condition.

Allele frequency attached by ClinVar (database versions not stated): gnomAD 0.00001; TOPMed 0.00001.
gnomAD v4.1: 1 of 1,209,042 alleles (0.000083%); highest among the groups gnomAD compares: Non-Finnish European, 0.00011%; no homozygotes.

Submission:

PreventionGenetics, part of Exact Sciences
Classification: Uncertain significance for PHF6-related condition. Last evaluated: 2023-12-22. Review status: no assertion criteria provided. Collection method: clinical testing. Allele origin: germline.
Comment: The PHF6 c.469A>G variant is predicted to result in the amino acid substitution p.Lys157Glu. To our knowledge, this variant has not been reported in the literature. This variant is reported in 1 of 21813 (0.0093%) alleles in gnomAD, and has only been reported in the heterozygous state. At this time, the clinical significance of this variant is uncertain due to the absence of conclusive functional and genetic evidence.